The following is an entry in ClinVar:

ClinVar aggregate classification (germline): Uncertain significance (1 of 4 stars; one submission).

Conditions:
Hereditary cancer-predisposing syndrome. Also called: Tumor predisposition; Hereditary neoplastic syndrome; Neoplastic Syndromes, Hereditary; Hereditary Cancer Syndrome. Identifiers: Orphanet 140162, MedGen C0027672, MeSH D009386, MONDO:0015356.

Allele frequency attached by ClinVar (database versions not stated): gnomAD exomes below 0.00001.
gnomAD v4.1: 2 of 1,613,990 alleles (0.00012%); highest among the groups gnomAD compares: African/African-American, 0.0013%; no homozygotes.

Submission:

Ambry Genetics
Classification: Uncertain significance for Hereditary cancer-predisposing syndrome. Last evaluated: 2022-03-29. Review status: criteria provided, single submitter. Criteria: Ambry Variant Classification Scheme 2023. Collection method: clinical testing. Allele origin: germline.
Comment: The p.H388R variant (also known as c.1163A>G), located in coding exon 9 of the APC gene, results from an A to G substitution at nucleotide position 1163. The histidine at codon 388 is replaced by arginine, an amino acid with highly similar properties. This amino acid position is highly conserved in available vertebrate species. In addition, in silico predictors for this gene do not accurately predict pathogenicity. Since supporting evidence is limited at this time, the clinical significance of this alteration remains unclear.

NM_000038.6(APC):c.1163A>G (p.His388Arg)

Gene: APC (APC regulator of Wnt signaling pathway; plus strand). Cytogenetic location: 5q22.2.
Variant type: single nucleotide variant.
Coding change: c.1163A>G on transcript NM_000038.6 (MANE Select); coding-DNA position 1163, A replaced by G.
Protein change: p.His388Arg; replaces histidine 388 with arginine.
Molecular consequence: missense variant. On other transcripts: intron variant (4).
Genome position (GRCh38, 1-based): chr5:112,819,195, A>G. VCF-style: chr5-112819195-A-G. GRCh37 (hg19) VCF-style: chr5-112154892-A-G.
Other names: c.1163A>G, p.His388Arg (NM_001127510.3, NM_001354895.2, NM_001354896.2); c.1109A>G, p.His370Arg (NM_001127511.3); c.986A>G, p.His329Arg (NM_001354901.2, NM_001354900.2); c.314A>G, p.His105Arg (NM_001354906.2); c.964-74A>G (NM_001354902.2); c.859-74A>G (NM_001354904.2); c.934-74A>G (NM_001354903.2); c.1193A>G, p.His398Arg (NM_001354897.2); and 3 more; short protein forms H329R, H388R, H360R, H398R, H363R, H105R, H370R.
Identifiers: ClinVar variation 818459 (VCV000818459.4), dbSNP rs1580529980, ClinGen allele CA16023850.
Genomic context (GRCh38, chr5:112,819,195, plus strand): 5'-TATTGTTGGGAAATTCCCGGGGCAGTAAAGAGGCTCGGGCCAGGGCCAGTGCAGCACTCC[A>G]CAACATCATTCACTCACAGCCTGATGACAAGAGAGGCAGGCGTGAAATCCGAGTCCTTCA-3'
Protein context (NP_000029.2, residues 378-398): EARARASAAL[His388Arg]NIIHSQPDDK